The following is an entry in ClinVar:

ClinVar aggregate classification (germline): Uncertain significance (0 of 4 stars; one submission).

Conditions:
BBS7-related disorder. Also called: BBS7-related condition.

Submission:

PreventionGenetics, part of Exact Sciences
Classification: Uncertain significance for BBS7-related condition. Last evaluated: 2024-06-15. Review status: no assertion criteria provided. Collection method: clinical testing. Allele origin: germline.
Comment: The BBS7 c.1516A>C variant is predicted to result in the amino acid substitution p.Met506Leu. To our knowledge, this variant has not been reported in the literature or in a large population database, indicating this variant is rare. At this time, the clinical significance of this variant is uncertain due to the absence of conclusive functional and genetic evidence.

NM_176824.3(BBS7):c.1516A>C (p.Met506Leu)

Gene: BBS7 (Bardet-Biedl syndrome 7; minus strand). Cytogenetic location: 4q27.
Variant type: single nucleotide variant.
Coding change: c.1516A>C on transcript NM_176824.3 (MANE Select); coding-DNA position 1516, A replaced by C.
Protein change: p.Met506Leu; replaces methionine 506 with leucine.
Molecular consequence: missense variant.
Genome position (GRCh38, 1-based): chr4:121,833,391, T>G on the plus strand (A>C on the coding strand, the complement: BBS7 is on the minus strand). VCF-style: chr4-121833391-T-G. GRCh37 (hg19) VCF-style: chr4-122754546-T-G.
Other names: c.1516A>C, p.Met506Leu (NM_018190.4); short protein forms M506L.
Identifiers: ClinVar variation 3347107 (VCV003347107.1).